The following is an entry in ClinVar:

NM_005219.5(DIAPH1):c.1051C>T (p.Arg351Ter)

Gene: DIAPH1 (diaphanous related formin 1; minus strand). Cytogenetic location: 5q31.3.
Variant type: single nucleotide variant.
Coding change: c.1051C>T on transcript NM_005219.5 (MANE Select); coding-DNA position 1051, C replaced by T.
Protein change: p.Arg351Ter; replaces arginine 351 with a stop codon.
Molecular consequence: nonsense.
Genome position (GRCh38, 1-based): chr5:141,578,337, G>A on the plus strand (C>T on the coding strand, the complement: DIAPH1 is on the minus strand). VCF-style: chr5-141578337-G-A. GRCh37 (hg19) VCF-style: chr5-140957904-G-A.
Other names: c.1051C>T (NM_005219.4); c.1024C>T, p.Arg342Ter (NM_001079812.3); c.1051C>T, p.Arg351Ter (NM_001314007.2); short protein forms R342*, R351*.
Identifiers: ClinVar variation 1990251 (VCV001990251.6), dbSNP rs755174598, ClinGen allele CA3479396.
Genomic context (GRCh38, chr5:141,578,337, plus strand): 5'-CTTCCCCTTGTTCATCAAACACATTTAGTTGCACTCTCATATCTTCATTTTCAATCTCTC[G>A]AAGGTCCTGTCAACAACAAAAGTAGAAGTCAGGGAACCCAAAAGTATCCTCTGTGGTTAG-3'

ClinVar aggregate classification (germline): Pathogenic. Review status: criteria provided, multiple submitters, no conflicts (2 of 4 stars). 3 submissions from 3 submitters: Pathogenic (3). Last evaluated 2025-05-19.

Conditions:
Progressive microcephaly-seizures-cortical blindness-developmental delay syndrome. Also called: Seizures, cortical blindness, and microcephaly syndrome. Identifiers: Orphanet 477814, MedGen C5567650, MONDO:0014714, OMIM 616632.
Autosomal dominant nonsyndromic hearing loss 1. Also called: KONIGSMARK SYNDROME; DEAFNESS, AUTOSOMAL DOMINANT 1, WITH OR WITHOUT THROMBOCYTOPENIA. Identifiers: Orphanet 90635, MedGen C1852282, MONDO:0007424, OMIM 124900.

Allele frequency attached by ClinVar (database versions not stated): ExAC 0.00001.
gnomAD v4.1: 3 of 1,612,708 alleles (0.00019%); highest among the groups gnomAD compares: Non-Finnish European, 0.00017%; no homozygotes.

Submissions (3):

Labcorp Genetics (formerly Invitae), Labcorp
Classification: Pathogenic for Progressive microcephaly-seizures-cortical blindness-developmental delay syndrome; Autosomal dominant nonsyndromic hearing loss 1. Last evaluated: 2025-05-19. Review status: criteria provided, single submitter. Criteria: Invitae Variant Classification Sherloc (09022015). Collection method: clinical testing. Allele origin: germline.
Comment: This sequence change creates a premature translational stop signal (p.Arg351*) in the DIAPH1 gene. It is expected to result in an absent or disrupted protein product. Loss-of-function variants in DIAPH1 are known to be pathogenic (PMID: 24781755, 26463574). This variant is present in population databases (rs755174598, gnomAD 0.004%). This variant has not been reported in the literature in individuals affected with DIAPH1-related conditions. ClinVar contains an entry for this variant (Variation ID: 1990251). For these reasons, this variant has been classified as Pathogenic.

3billion
Classification: Pathogenic for Progressive microcephaly-seizures-cortical blindness-developmental delay syndrome. Last evaluated: 2024-12-03. Review status: criteria provided, single submitter. Criteria: ACMG Guidelines, 2015. Collection method: clinical testing. Allele origin: germline. Affected: yes.
Comment: The variant is observed at an extremely low frequency in the gnomAD v4.1.0 dataset (total allele frequency: <0.001%). Predicted Consequence/Location: Stop-gained (nonsense): predicted to result in a loss or disruption of normal protein function through nonsense-mediated decay (NMD) or protein truncation. Multiple pathogenic variants are reported downstream of the variant. The variant has been reported at least twice as pathogenic without evidence for the classification (ClinVar ID: VCV001990251 /PMID: 36184095). Therefore, this variant is classified as Pathogenic according to the recommendation of ACMG/AMP guideline.

GeneDx
Classification: Pathogenic. Last evaluated: 2022-04-21. Review status: criteria provided, single submitter. Criteria: GeneDx Variant Classification Process June 2021. Collection method: clinical testing. Allele origin: germline. Affected: yes.
Comment: Nonsense variant predicted to result in protein truncation or nonsense mediated decay in a gene for which loss of function is a known mechanism of disease; Not observed at significant frequency in large population cohorts (gnomAD); This variant is associated with the following publications: (PMID: Acer2017[Abstract])

Literature cited by the submitters: PubMed 24781755 (cited by Labcorp Genetics (formerly Invitae), Labcorp); PubMed 26463574 (cited by Labcorp Genetics (formerly Invitae), Labcorp); PubMed 36184095 (cited by 3billion).